The following is an entry in ClinVar:

ClinVar aggregate classification (germline): Uncertain significance. Review status: criteria provided, multiple submitters, no conflicts (2 of 4 stars). 2 submissions from 2 submitters: Uncertain significance (2). Last evaluated 2025-02-07.

Conditions:
Combined oxidative phosphorylation defect type 14. Also called: Combined oxidative phosphorylation deficiency 14. Identifiers: Orphanet 319519, MedGen C4755312, MONDO:0013986, OMIM 614946.

gnomAD v4.1: 11 of 1,614,114 alleles (0.00068%); highest among the groups gnomAD compares: South Asian, 0.0099%; no homozygotes.

Submissions (2):

GeneDx
Classification: Uncertain significance. Last evaluated: 2025-02-07. Review status: criteria provided, single submitter. Criteria: GeneDx Variant Classification Process June 2021. Collection method: clinical testing. Allele origin: germline. Affected: yes.
Comment: Not observed at significant frequency in large population cohorts (gnomAD); In silico analysis supports that this missense variant has a deleterious effect on protein structure/function; Has not been previously published as pathogenic or benign to our knowledge

Labcorp Genetics (formerly Invitae), Labcorp
Classification: Uncertain significance for Combined oxidative phosphorylation defect type 14. Last evaluated: 2023-07-07. Review status: criteria provided, single submitter. Criteria: Invitae Variant Classification Sherloc (09022015). Collection method: clinical testing. Allele origin: germline.
Comment: This variant has not been reported in the literature in individuals affected with FARS2-related conditions. In summary, the available evidence is currently insufficient to determine the role of this variant in disease. Therefore, it has been classified as a Variant of Uncertain Significance. Advanced modeling of protein sequence and biophysical properties (such as structural, functional, and spatial information, amino acid conservation, physicochemical variation, residue mobility, and thermodynamic stability) has been performed at Invitae for this missense variant, however the output from this modeling did not meet the statistical confidence thresholds required to predict the impact of this variant on FARS2 protein function. ClinVar contains an entry for this variant (Variation ID: 1515757). This variant is present in population databases (rs780467389, gnomAD 0.006%). This sequence change replaces aspartic acid, which is acidic and polar, with tyrosine, which is neutral and polar, at codon 62 of the FARS2 protein (p.Asp62Tyr).

NM_006567.5(FARS2):c.184G>T (p.Asp62Tyr)

Genes: FARS2 (phenylalanyl-tRNA synthetase 2, mitochondrial; plus strand), LOC126859565 (CDK7 strongly-dependent group 2 enhancer GRCh37_chr6:5368745-5369944; plus strand). Cytogenetic location: 6p25.1.
Variant type: single nucleotide variant.
Coding change: c.184G>T on transcript NM_006567.5 (MANE Select); coding-DNA position 184, G replaced by T.
Protein change: p.Asp62Tyr; replaces aspartic acid 62 with tyrosine.
Molecular consequence: missense variant. On other transcripts: intron variant (2).
Genome position (GRCh38, 1-based): chr6:5,368,754, G>T. VCF-style: chr6-5368754-G-T. GRCh37 (hg19) VCF-style: chr6-5368987-G-T.
Other names: c.184G>T, p.Asp62Tyr (NM_001318872.2, NM_001374875.1, NM_001374876.1 and 5 more transcripts); c.-340-27879G>T (NM_001375260.1); c.-84-35788G>T (NM_001375259.1); c.184G>T (NM_006567.3); short protein forms D62Y.
Identifiers: ClinVar variation 1515757 (VCV001515757.9), dbSNP rs780467389, ClinGen allele CA3623604.
Genomic context (GRCh38, chr6:5,368,754, plus strand): 5'-GCCACCCAAAGAGCTCCAGGCAGTGTGGTGGAGCTGCTGGGCAAATCCTACCCTCAGGAC[G>T]ACCACAGCAACCTCACCCGGAAGGTCCTCACCAGAGTTGGCAGGAACCTGCACAACCAGC-3'
Protein context (NP_006558.1, residues 52-72): ELLGKSYPQD[Asp62Tyr]HSNLTRKVLT